The following is an entry in ClinVar:

ClinVar aggregate classification (germline): Likely pathogenic (1 of 4 stars; one submission).

Conditions:
Trichohepatoenteric syndrome 2 (THES2). Identifiers: Orphanet 84064, MedGen C3281289, MONDO:0013818, OMIM 614602.

Submission:

Juno Genomics, Hangzhou Juno Genomics, Inc
Classification: Likely pathogenic for Trichohepatoenteric syndrome 2. Review status: criteria provided, single submitter. Criteria: ACMG Guidelines, 2015. Collection method: clinical testing. Allele origin: germline.
Comment: Null variant in a gene where loss of function (LOF) is a known mechanism of disease.;Absent from controls (or at extremely low frequency if recessive) in Genome Aggregation Database.

NM_006929.5(SKIC2):c.223G>T (p.Glu75Ter)

Gene: SKIC2 (SKI2 subunit of superkiller complex; plus strand). Cytogenetic location: 6p21.33.
Variant type: single nucleotide variant.
Coding change: c.223G>T on transcript NM_006929.5 (MANE Select); coding-DNA position 223, G replaced by T.
Protein change: p.Glu75Ter; replaces glutamic acid 75 with a stop codon.
Molecular consequence: nonsense.
Genome position (GRCh38, 1-based): chr6:31,960,106, G>T. VCF-style: chr6-31960106-G-T. GRCh37 (hg19) VCF-style: chr6-31927883-G-T.
Other names: short protein forms E75*.
Identifiers: ClinVar variation 5007018 (VCV005007018.2).